The following is an entry in ClinVar:

NM_000157.4(GBA1):c.168C>T (p.Val56=)

Genes: GBA1 (glucosylceramidase beta 1; minus strand), LOC106627981 (GBA recombination region; plus strand). Cytogenetic location: 1q22.
Variant type: single nucleotide variant.
Coding change: c.168C>T on transcript NM_000157.4 (MANE Select); coding-DNA position 168, C replaced by T.
Protein change: p.Val56=; no amino-acid change (valine 56 retained).
Molecular consequence: synonymous variant. On other transcripts: 5 prime UTR variant (1).
Genome position (GRCh38, 1-based): chr1:155,240,025, G>A on the plus strand (C>T on the coding strand, the complement: GBA1 is on the minus strand). VCF-style: chr1-155240025-G-A. GRCh37 (hg19) VCF-style: chr1-155209816-G-A.
Other names: p.Val56=; c.168C>T, p.Val56= (NM_001005741.3, NM_001005742.3, NM_001171812.2); c.-94C>T (NM_001171811.2).
Identifiers: ClinVar variation 806231 (VCV000806231.47), dbSNP rs145773486, ClinGen allele CA1141823.

ClinVar aggregate classification (germline): Conflicting classifications of pathogenicity. Review status: criteria provided, conflicting classifications (1 of 4 stars). 4 submissions from 4 submitters: Uncertain significance (1); Likely benign (3). Last evaluated 2025-07-08.

Conditions:
Gaucher disease type I (GD1). Also called: ACID BETA-GLUCOSIDASE DEFICIENCY; GAUCHER DISEASE, NONCEREBRAL JUVENILE; GBA DEFICIENCY; GD I; GLUCOCEREBROSIDASE DEFICIENCY; GD 1. Identifiers: Orphanet 355, Orphanet 77259, MedGen C1961835, MONDO:0009265, OMIM 230800.

Allele frequency attached by ClinVar (database versions not stated): gnomAD exomes 0.00010 and 0.00008; gnomAD 0.00011 and 0.00013; 1000 Genomes Project 30x 0.00016; 1000 Genomes Project 0.00020; ESP Exome Variant Server 0.00023; TOPMed 0.00008; ExAC 0.00009.
gnomAD v4.1: 139 of 1,613,988 alleles (0.0086%); highest among the groups gnomAD compares: South Asian, 0.016%; no homozygotes.

Submissions (4):

Mayo Clinic Laboratories, Mayo Clinic
Classification: Likely benign. Last evaluated: 2025-07-08. Review status: criteria provided, single submitter. Criteria: ACMG Guidelines, 2015. Collection method: clinical testing. Allele origin: germline. Observed: 1 variant allele.
Comment: BP4, BP7

Blueprint Genetics
Classification: Likely benign. Last evaluated: 2024-10-21. Review status: criteria provided, single submitter. Criteria: ACMG Guidelines, 2015. Collection method: clinical testing. Allele origin: germline.

Genome-Nilou Lab
Classification: Uncertain significance for Gaucher disease type I. Last evaluated: 2021-07-14. Review status: criteria provided, single submitter. Criteria: ACMG Guidelines, 2015. Collection method: clinical testing. Allele origin: germline. Affected: no.

CeGaT Center for Human Genetics Tuebingen
Classification: Likely benign. Last evaluated: 2018-11-01. Review status: criteria provided, single submitter. Criteria: CeGaT Center For Human Genetics Tuebingen Variant Classification Criteria Version 2. Collection method: clinical testing. Allele origin: germline. Affected: yes. Observed: 1 variant allele.